The following is an entry in ClinVar:

ClinVar aggregate classification (germline): Pathogenic (1 of 4 stars; one submission).

Conditions:
Inborn genetic diseases. Identifiers: MedGen C0950123, MeSH D030342.

Submission:

Ambry Genetics
Classification: Pathogenic for Inborn genetic diseases. Last evaluated: 2026-02-23. Review status: criteria provided, single submitter. Criteria: Ambry Variant Classification Scheme 2023. Collection method: clinical testing. Allele origin: germline.
Comment: The c.1195_1196delCG (p.R399Afs*123) alteration, located in exon 7 (coding exon 7) of the SLC22A5 gene, consists of a deletion of 2 nucleotides from position 1195 to 1196, causing a translational frameshift with a predicted alternate stop codon after 123 amino acids. This variant is not expected to trigger nonsense-mediated mRNA decay, and impacts the last 28% of the protein. However, premature stop codons are typically deleterious in nature, the impacted region is critical for protein function, and a significant portion of the protein is affected (Ambry internal data). This variant was not reported in population-based cohorts in the Genome Aggregation Database (gnomAD). Based on the available evidence, this alteration is classified as pathogenic.

NM_003060.4(SLC22A5):c.1195_1196del (p.Arg399fs)

Gene: SLC22A5 (solute carrier family 22 member 5; plus strand). Cytogenetic location: 5q31.1.
Variant type: Deletion.
Coding change: c.1195_1196del on transcript NM_003060.4 (MANE Select); coding-DNA positions 1195 to 1196, 2 bases deleted (CG; older notation c.1195_1196delCG).
Protein change: p.Arg399fs; shifts the reading frame from arginine 399.
Molecular consequence: frameshift variant.
Genome position (GRCh38, 1-based): chr5:132,390,832-132,390,833, CG deleted. VCF-style (leftmost placement, unchanged base first): chr5-132390831-CCG-C. GRCh37 (hg19) VCF-style: chr5-131726523-CCG-C.
Other names: c.1267_1268del, p.Arg423fs (NM_001308122.2); short protein forms R399fs, R423fs.
Identifiers: ClinVar variation 4839818 (VCV004839818.1).